The following is an entry in ClinVar:

NM_032119.4(ADGRV1):c.16927dup (p.Ile5643fs)

Gene: ADGRV1 (adhesion G protein-coupled receptor V1; plus strand). Cytogenetic location: 5q14.3.
Variant type: Duplication.
Coding change: c.16927dup on transcript NM_032119.4 (MANE Select); coding-DNA position 16927, one base duplicated (A; older notation c.16927dupA).
Protein change: p.Ile5643fs; shifts the reading frame from isoleucine 5643.
Molecular consequence: frameshift variant. On other transcripts: non-coding transcript variant (1).
Genome position (GRCh38, 1-based): chr5:90,840,893, A duplicated. VCF-style (leftmost placement, unchanged base first): chr5-90840892-T-TA. GRCh37 (hg19) VCF-style: chr5-90136709-T-TA.
Other names: short protein forms I5643fs.
Identifiers: ClinVar variation 3720635 (VCV003720635.2).

ClinVar aggregate classification (germline): Pathogenic (1 of 4 stars; one submission).

Submission:

Labcorp Genetics (formerly Invitae), Labcorp
Classification: Pathogenic. Last evaluated: 2026-01-20. Review status: criteria provided, single submitter. Criteria: Invitae Variant Classification Sherloc (09022015). Collection method: clinical testing. Allele origin: germline.
Comment: This sequence change creates a premature translational stop signal (p.Ile5643Asnfs*20) in the ADGRV1 gene. It is expected to result in an absent or disrupted protein product. Loss-of-function variants in ADGRV1 are known to be pathogenic (PMID: 19357117, 22135276, 22147658, 26226137, 30718709, 31047384, 32467589). This variant is present in population databases (rs763081334, gnomAD 0.002%). This premature translational stop signal has been observed in individual(s) with deafness (PMID: 23804846). ClinVar contains an entry for this variant (Variation ID: 3720635). For these reasons, this variant has been classified as Pathogenic.

Literature cited by the submitters: PubMed 19357117; PubMed 22135276; PubMed 22147658; PubMed 26226137; PubMed 30718709; PubMed 31047384; PubMed 32467589; PubMed 23804846.